The following is an entry in ClinVar:

ClinVar aggregate classification (germline): Uncertain significance (1 of 4 stars; one submission).

Conditions:
Hypertrophic cardiomyopathy 26. Also called: Cardiomyopathy, familial hypertrophic, 26. Identifiers: Orphanet 75249, MedGen C4310749, MONDO:0014883, OMIM 617047.
Myofibrillar myopathy 5. Also called: Filaminopathy (type); FILAMINOPATHY, AUTOSOMAL DOMINANT. Identifiers: Orphanet 171445, MedGen C1836050, MONDO:0012289, OMIM 609524.
Distal myopathy with posterior leg and anterior hand involvement. Also called: WILLIAMS DISTAL MYOPATHY. Identifiers: Orphanet 63273, MedGen C3279722, MONDO:0013550, OMIM 614065.

Allele frequency attached by ClinVar (database versions not stated): gnomAD exomes below 0.00001.

Submission:

Labcorp Genetics (formerly Invitae), Labcorp
Classification: Uncertain significance for Distal myopathy with posterior leg and anterior hand involvement; Myofibrillar myopathy 5; Hypertrophic cardiomyopathy 26. Last evaluated: 2022-03-22. Review status: criteria provided, single submitter. Criteria: Invitae Variant Classification Sherloc (09022015). Collection method: clinical testing. Allele origin: germline.
Comment: In summary, the available evidence is currently insufficient to determine the role of this variant in disease. Therefore, it has been classified as a Variant of Uncertain Significance. Algorithms developed to predict the effect of missense changes on protein structure and function (SIFT, PolyPhen-2, Align-GVGD) all suggest that this variant is likely to be tolerated. This variant has not been reported in the literature in individuals affected with FLNC-related conditions. This variant is not present in population databases (gnomAD no frequency). This sequence change replaces isoleucine, which is neutral and non-polar, with valine, which is neutral and non-polar, at codon 279 of the FLNC protein (p.Ile279Val).

NM_001458.5(FLNC):c.835A>G (p.Ile279Val)

Gene: FLNC (filamin C; plus strand). Cytogenetic location: 7q32.1.
Variant type: single nucleotide variant.
Coding change: c.835A>G on transcript NM_001458.5 (MANE Select); coding-DNA position 835, A replaced by G.
Protein change: p.Ile279Val; replaces isoleucine 279 with valine.
Molecular consequence: missense variant.
Genome position (GRCh38, 1-based): chr7:128,837,533, A>G. VCF-style: chr7-128837533-A-G. GRCh37 (hg19) VCF-style: chr7-128477587-A-G.
Other names: c.835A>G, p.Ile279Val (NM_001127487.2); short protein forms I279V.
Identifiers: ClinVar variation 1446477 (VCV001446477.6), dbSNP rs1243812099, ClinGen allele CA369222708.
Genomic context (GRCh38, chr7:128,837,533, plus strand): 5'-AAGGCCAAGCTCAAACCTGGTGCCCCTGTTCGATCCAAGCAGCTGAACCCCAAGAAAGCC[A>G]TCGCCTATGGGCCTGGTATGTGTGAGCCCCTGGCGGCCCTCCTGGGCAGCTGGGCACATG-3'
Protein context (NP_001449.3, residues 269-289): RSKQLNPKKA[Ile279Val]AYGPGIEPQG